The following is an entry in ClinVar:

NM_138576.4(BCL11B):c.2433G>C (p.Leu811Phe)

Gene: BCL11B (BCL11 transcription factor B; minus strand). Cytogenetic location: 14q32.2.
Variant type: single nucleotide variant.
Coding change: c.2433G>C on transcript NM_138576.4 (MANE Select); coding-DNA position 2433, G replaced by C.
Protein change: p.Leu811Phe; replaces leucine 811 with phenylalanine.
Molecular consequence: missense variant.
Genome position (GRCh38, 1-based): chr14:99,174,403, C>G on the plus strand (G>C on the coding strand, the complement: BCL11B is on the minus strand). VCF-style: chr14-99174403-C-G. GRCh37 (hg19) VCF-style: chr14-99640740-C-G.
Other names: c.2430G>C, p.Leu810Phe (NM_001282237.2); c.2217G>C, p.Leu739Phe (NM_001282238.2); c.2220G>C, p.Leu740Phe (NM_022898.3); short protein forms L739F, L740F, L810F, L811F.
Identifiers: ClinVar variation 2636592 (VCV002636592.1), dbSNP rs2503636729, ClinGen allele CA390933232.

ClinVar aggregate classification (germline): Uncertain significance (1 of 4 stars; one submission).

Conditions:
BCL11B-related disorder. Also called: BCL11B-Related Disorders.

Submission:

PreventionGenetics, part of Exact Sciences
Classification: Uncertain significance for BCL11B-related condition. Last evaluated: 2022-12-19. Review status: criteria provided, single submitter. Criteria: ACMG Guidelines, 2015. Collection method: clinical testing. Allele origin: germline.
Comment: The BCL11B c.2220G>C variant is predicted to result in the amino acid substitution p.Leu740Phe. To our knowledge, this variant has not been reported in the literature or in a large population database, indicating this variant is rare. At this time, the clinical significance of this variant is uncertain due to the absence of conclusive functional and genetic evidence.